The following is an entry in ClinVar:

ClinVar aggregate classification (germline): Uncertain significance (1 of 4 stars; one submission).

Allele frequency attached by ClinVar (database versions not stated): gnomAD exomes below 0.00001.
gnomAD v4.1: 2 of 1,614,106 alleles (0.00012%); highest among the groups gnomAD compares: Admixed American, 0.0033%; no homozygotes.

Submission:

Labcorp Genetics (formerly Invitae), Labcorp
Classification: Uncertain significance. Last evaluated: 2022-06-01. Review status: criteria provided, single submitter. Criteria: Invitae Variant Classification Sherloc (09022015). Collection method: clinical testing. Allele origin: germline.
Comment: In summary, the available evidence is currently insufficient to determine the role of this variant in disease. Therefore, it has been classified as a Variant of Uncertain Significance. Algorithms developed to predict the effect of missense changes on protein structure and function are either unavailable or do not agree on the potential impact of this missense change (SIFT: "Deleterious"; PolyPhen-2: "Possibly Damaging"; Align-GVGD: "Class C0"). ClinVar contains an entry for this variant (Variation ID: 1356739). This variant has not been reported in the literature in individuals affected with LRIT3-related conditions. This variant is not present in population databases (gnomAD no frequency). This sequence change replaces leucine, which is neutral and non-polar, with isoleucine, which is neutral and non-polar, at codon 656 of the LRIT3 protein (p.Leu656Ile).

NM_198506.5(LRIT3):c.1966C>A (p.Leu656Ile)

Gene: LRIT3 (leucine rich repeat, Ig-like and transmembrane domains 3; plus strand). Cytogenetic location: 4q25.
Variant type: single nucleotide variant.
Coding change: c.1966C>A on transcript NM_198506.5 (MANE Select); coding-DNA position 1966, C replaced by A.
Protein change: p.Leu656Ile; replaces leucine 656 with isoleucine.
Molecular consequence: missense variant.
Genome position (GRCh38, 1-based): chr4:109,870,715, C>A. VCF-style: chr4-109870715-C-A. GRCh37 (hg19) VCF-style: chr4-110791871-C-A.
Other names: short protein forms L656I.
Identifiers: ClinVar variation 1356739 (VCV001356739.8), dbSNP rs1195746556, ClinGen allele CA357873231.